The following is an entry in ClinVar:

NM_015631.6(TCTN3):c.178G>A (p.Val60Met)

Genes: TCTN3 (tectonic family member 3; minus strand), LOC130004408 (ATAC-STARR-seq lymphoblastoid active region 3801; plus strand). Cytogenetic location: 10q24.1.
Variant type: single nucleotide variant.
Coding change: c.178G>A on transcript NM_015631.6 (MANE Select); coding-DNA position 178, G replaced by A.
Protein change: p.Val60Met; replaces valine 60 with methionine.
Molecular consequence: missense variant.
Genome position (GRCh38, 1-based): chr10:95,693,722, C>T on the plus strand (G>A on the coding strand, the complement: TCTN3 is on the minus strand). VCF-style: chr10-95693722-C-T. GRCh37 (hg19) VCF-style: chr10-97453479-C-T.
Other names: c.178G>A, p.Val60Met (NM_001143973.2); c.178G>A (NM_015631.5); short protein forms V60M.
Identifiers: ClinVar variation 1496697 (VCV001496697.6), dbSNP rs557962090, ClinGen allele CA5621200.
Genomic context (GRCh38, chr10:95,693,722, plus strand): 5'-TCCTATTCCCAGGGGCCGAGGGAGTCACGAGAGTAGGGACCACTGTAGGGAGTCCAGGCA[C>T]GGCCGGGCGAGTTGCAGTCGCCTCTGAAGGGGACTGGAGGGTTCCGCCATCCGTCCCTCG-3'
Protein context (NP_056446.4, residues 50-70): PSEATATRPA[Val60Met]PGLPTVVPTL

ClinVar aggregate classification (germline): Conflicting classifications of pathogenicity. Review status: criteria provided, conflicting classifications (1 of 4 stars). 3 submissions from 3 submitters: Uncertain significance (2); Likely benign (1). Last evaluated 2024-11-05.

Conditions:
Joubert syndrome 18 (JBTS18). Identifiers: Orphanet 2754, MedGen C3553758, MONDO:0013896, OMIM 614815.
Orofacial-digital syndrome IV (OFD4). Also called: Orofaciodigital syndrome IV; BARAITSER-BURN SYNDROME; MOHR-MAJEWSKI SYNDROME; OFD SYNDROME WITH TIBIAL DEFECTS; OFD SYNDROME, BARAITSER-BURN TYPE; OFDS IV. Identifiers: Orphanet 2753, MedGen C0406727, MONDO:0009794, OMIM 258860.
Inborn genetic diseases. Identifiers: MedGen C0950123, MeSH D030342.

Allele frequency attached by ClinVar (database versions not stated): gnomAD 0.00002 and 0.00003; gnomAD exomes 0.00002 and 0.00008; TOPMed 0.00002; ExAC 0.00005.

Submissions (3):

Labcorp Genetics (formerly Invitae), Labcorp
Classification: Uncertain significance for Joubert syndrome 18; Orofacial-digital syndrome IV. Last evaluated: 2024-11-05. Review status: criteria provided, single submitter. Criteria: Invitae Variant Classification Sherloc (09022015). Collection method: clinical testing. Allele origin: germline.
Comment: This sequence change replaces valine, which is neutral and non-polar, with methionine, which is neutral and non-polar, at codon 60 of the TCTN3 protein (p.Val60Met). This variant is present in population databases (rs557962090, gnomAD 0.004%). This variant has not been reported in the literature in individuals affected with TCTN3-related conditions. ClinVar contains an entry for this variant (Variation ID: 1496697). An algorithm developed to predict the effect of missense changes on protein structure and function outputs the following: PolyPhen-2: "Benign". The methionine amino acid residue is found in multiple mammalian species, which suggests that this missense change does not adversely affect protein function. In summary, the available evidence is currently insufficient to determine the role of this variant in disease. Therefore, it has been classified as a Variant of Uncertain Significance.

Ambry Genetics
Classification: Likely benign for Inborn genetic diseases. Last evaluated: 2023-11-20. Review status: criteria provided, single submitter. Criteria: Ambry Variant Classification Scheme 2023. Collection method: clinical testing. Allele origin: germline.

GeneDx
Classification: Uncertain significance. Last evaluated: 2023-07-06. Review status: criteria provided, single submitter. Criteria: GeneDx Variant Classification Process June 2021. Collection method: clinical testing. Allele origin: germline. Affected: yes.
Comment: Not observed at significant frequency in large population cohorts (gnomAD); In silico analysis supports that this missense variant does not alter protein structure/function; Has not been previously published as pathogenic or benign to our knowledge